The following is an entry in ClinVar:

NM_001851.6(COL9A1):c.56C>T (p.Pro19Leu)

Gene: COL9A1 (collagen type IX alpha 1 chain; minus strand). Cytogenetic location: 6q13.
Variant type: single nucleotide variant.
Coding change: c.56C>T on transcript NM_001851.6 (MANE Select); coding-DNA position 56, C replaced by T.
Protein change: p.Pro19Leu; replaces proline 19 with leucine.
Molecular consequence: missense variant.
Genome position (GRCh38, 1-based): chr6:70,302,033, G>A on the plus strand (C>T on the coding strand, the complement: COL9A1 is on the minus strand). VCF-style: chr6-70302033-G-A. GRCh37 (hg19) VCF-style: chr6-71011736-G-A.
Other names: c.56C>T, p.Pro19Leu (NM_001377291.1); short protein forms P19L.
Identifiers: ClinVar variation 286545 (VCV000286545.21), dbSNP rs146700420, ClinGen allele CA3882953.
Genomic context (GRCh38, chr6:70,302,033, plus strand): 5'-TTGAAAGTCTAGAAACTATGGCCCTTACTGGGGCGACGCTTGACAGCTGCAGATGCCCAG[G>A]GTTCCAGGAAACTGCACACAAAGAAGAAAACTGGAATTTTCCTGAAGAAGAGAGAAGAAA-3'
Protein context (NP_001842.3, residues 9-29): VFFFVCSFLE[Pro19Leu]WASAAVKRRP

ClinVar aggregate classification (germline): Conflicting classifications of pathogenicity. Review status: criteria provided, conflicting classifications (1 of 4 stars). 5 submissions from 5 submitters: Uncertain significance (2); Likely benign (2). 1 of the submissions does not count toward it. Last evaluated 2025-12-23.

Conditions:
COL9A1-related disorder. Also called: COL9A1-related disorders; COL9A1-related condition.

Allele frequency attached by ClinVar (database versions not stated): ESP Exome Variant Server 0.00046; TOPMed 0.00072; 1000 Genomes Project 30x 0.00094; 1000 Genomes Project 0.00100.

Submissions (5):

Labcorp Genetics (formerly Invitae), Labcorp
Classification: Likely benign. Last evaluated: 2025-12-23. Review status: criteria provided, single submitter. Criteria: Invitae Variant Classification Sherloc (09022015). Collection method: clinical testing. Allele origin: germline.

Blueprint Genetics
Classification: Likely benign. Last evaluated: 2024-05-14. Review status: criteria provided, single submitter. Criteria: ACMG Guidelines, 2015. Collection method: clinical testing. Allele origin: germline.

GeneDx
Classification: Uncertain significance. Last evaluated: 2023-12-13. Review status: criteria provided, single submitter. Criteria: GeneDx Variant Classification Process June 2021. Collection method: clinical testing. Allele origin: germline. Affected: yes.
Comment: In silico analysis supports that this missense variant does not alter protein structure/function; Has not been previously published as pathogenic or benign to our knowledge

Eurofins Ntd Llc (ga)
Classification: Uncertain significance. Last evaluated: 2016-04-05. Review status: criteria provided, single submitter. Criteria: EGL Classification Definitions 2015. Collection method: clinical testing. Allele origin: germline. Observed: 2 variant alleles, 2 heterozygotes.

PreventionGenetics, part of Exact Sciences
Classification: Likely benign for COL9A1-related condition. Last evaluated: 2022-03-02. Review status: no assertion criteria provided. Collection method: clinical testing. Allele origin: germline. Not counted in ClinVar's aggregate classification.
Comment: This variant is classified as likely benign based on ACMG/AMP sequence variant interpretation guidelines (Richards et al. 2015 PMID: 25741868, with internal and published modifications).